The following is an entry in ClinVar:

NM_032444.4(SLX4):c.1493C>T (p.Ser498Phe)

Gene: SLX4 (SLX4 structure-specific endonuclease subunit; minus strand). Cytogenetic location: 16p13.3.
Variant type: single nucleotide variant.
Coding change: c.1493C>T on transcript NM_032444.4 (MANE Select); coding-DNA position 1493, C replaced by T.
Protein change: p.Ser498Phe; replaces serine 498 with phenylalanine.
Molecular consequence: missense variant.
Genome position (GRCh38, 1-based): chr16:3,597,569, G>A on the plus strand (C>T on the coding strand, the complement: SLX4 is on the minus strand). VCF-style: chr16-3597569-G-A. GRCh37 (hg19) VCF-style: chr16-3647570-G-A.
Other names: short protein forms S498F.
Identifiers: ClinVar variation 1337615 (VCV001337615.9), dbSNP rs1326014010, ClinGen allele CA394528952.

ClinVar aggregate classification (germline): Uncertain significance. Review status: criteria provided, multiple submitters, no conflicts (2 of 4 stars). 3 submissions from 3 submitters: Uncertain significance (3). Last evaluated 2022-05-19.

Conditions:
Fanconi anemia (FA). Also called: Fanconi's anemia. Identifiers: Orphanet 84, MedGen C0015625, MeSH D005199, MONDO:0019391.
Fanconi anemia complementation group P. Also called: SLX4-Related Fanconi Anemia. Identifiers: Orphanet 84, MedGen C3469542, MONDO:0013499, OMIM 613951.

Allele frequency attached by ClinVar (database versions not stated): gnomAD 0.00001; TOPMed 0.00001.
gnomAD v4.1: 45 of 1,613,962 alleles (0.0028%); highest among the groups gnomAD compares: Non-Finnish European, 0.0032%; no homozygotes.

Submissions (3):

Fulgent Genetics
Classification: Uncertain significance for Fanconi anemia complementation group P. Last evaluated: 2022-05-19. Review status: criteria provided, single submitter. Criteria: ACMG Guidelines, 2015. Collection method: clinical testing. Allele origin: unknown.

Genetic Services Laboratory, University of Chicago
Classification: Uncertain significance. Last evaluated: 2021-09-21. Review status: criteria provided, single submitter. Criteria: ACMG Guidelines, 2015. Collection method: clinical testing. Allele origin: germline. Affected: no.
Comment: This sequence change does not appear to have been previously described in patients with SLX4-related disorders and has been described in the gnomAD database with a low population frequency of 0.00040% (dbSNP rs1326014010). The p.Ser498Phe change affects a poorly conserved amino acid residue located in a domain of the SLX4 protein that is not known to be functional. In-silico pathogenicity prediction tools (SIFT, PolyPhen2, Align GVGD, REVEL) provide contradictory results for the p.Ser498Phe substitution. Due to these contrasting evidences and the lack of functional studies, the clinical significance of the p.Ser498Phe change remains unknown at this time.

Labcorp Genetics (formerly Invitae), Labcorp
Classification: Uncertain significance for Fanconi anemia. Last evaluated: 2021-08-28. Review status: criteria provided, single submitter. Criteria: Invitae Variant Classification Sherloc (09022015). Collection method: clinical testing. Allele origin: germline.
Comment: This sequence change replaces serine with phenylalanine at codon 498 of the SLX4 protein (p.Ser498Phe). The serine residue is weakly conserved and there is a large physicochemical difference between serine and phenylalanine. This variant is not present in population databases (ExAC no frequency). This variant has not been reported in the literature in individuals affected with SLX4-related conditions. Algorithms developed to predict the effect of missense changes on protein structure and function are either unavailable or do not agree on the potential impact of this missense change (SIFT: "Tolerated"; PolyPhen-2: "Probably Damaging"; Align-GVGD: "Class C0"). In summary, the available evidence is currently insufficient to determine the role of this variant in disease. Therefore, it has been classified as a Variant of Uncertain Significance.